The following is an entry in ClinVar:

ClinVar aggregate classification (germline): Conflicting classifications of pathogenicity. Review status: criteria provided, conflicting classifications (1 of 4 stars). 4 submissions from 4 submitters: Uncertain significance (3); Benign (1). Last evaluated 2026-01-26.

Conditions:
Primary ciliary dyskinesia. Also called: Ciliary dyskinesia. Identifiers: Orphanet 244, MedGen C0008780, MONDO:0016575, HP:0012265.

Allele frequency attached by ClinVar (database versions not stated): gnomAD exomes 0.00004 and 0.00012; ExAC 0.00017; gnomAD 0.00050 and 0.00053; TOPMed 0.00059; 1000 Genomes Project 0.00080; 1000 Genomes Project 30x 0.00094; ESP Exome Variant Server 0.00100.

Submissions (4):

Labcorp Genetics (formerly Invitae), Labcorp
Classification: Benign for Primary ciliary dyskinesia. Last evaluated: 2026-01-26. Review status: criteria provided, single submitter. Criteria: Invitae Variant Classification Sherloc (09022015). Collection method: clinical testing. Allele origin: germline.

GeneDx
Classification: Uncertain significance. Last evaluated: 2025-06-10. Review status: criteria provided, single submitter. Criteria: GeneDx Variant Classification Process June 2021. Collection method: clinical testing. Allele origin: germline. Affected: yes.
Comment: Identified in the heterozygous state without a second DNAH11 variant in an individual with primary ciliary dyskinesia; this individual also harbored a single heterozygous variant in the GAS8 gene (PMID: 33670432); In silico analysis supports that this missense variant has a deleterious effect on protein structure/function; This variant is associated with the following publications: (PMID: 33670432)

UNC Molecular Genetics  Laboratory, University of North Carolina at Chapel Hill
Classification: Uncertain significance for Primary ciliary dyskinesia. Last evaluated: 2021-02-16. Review status: criteria provided, single submitter. Criteria: ACMG Guidelines, 2015. Collection method: clinical testing. Allele origin: germline. Observed: 1 heterozygote.

Ambry Genetics
Classification: Uncertain significance for Primary ciliary dyskinesia. Last evaluated: 2021-01-11. Review status: criteria provided, single submitter. Criteria: Ambry Variant Classification Scheme 2023. Collection method: clinical testing. Allele origin: germline.
Comment: The p.L2698S variant (also known as c.8093T>C), located in coding exon 49 of the DNAH11 gene, results from a T to C substitution at nucleotide position 8093. The leucine at codon 2698 is replaced by serine, an amino acid with dissimilar properties. This amino acid position is not well conserved in available vertebrate species. In addition, this alteration is predicted to be tolerated by in silico analysis. Since supporting evidence is limited at this time, the clinical significance of this alteration remains unclear.

NM_001277115.2(DNAH11):c.8093T>C (p.Leu2698Ser)

Gene: DNAH11 (dynein axonemal heavy chain 11; plus strand). Cytogenetic location: 7p15.3.
Variant type: single nucleotide variant.
Coding change: c.8093T>C on transcript NM_001277115.2 (MANE Select); coding-DNA position 8093, T replaced by C.
Protein change: p.Leu2698Ser; replaces leucine 2698 with serine.
Molecular consequence: missense variant.
Genome position (GRCh38, 1-based): chr7:21,742,105, T>C. VCF-style: chr7-21742105-T-C. GRCh37 (hg19) VCF-style: chr7-21781723-T-C.
Other names: short protein forms L2698S.
Identifiers: ClinVar variation 525220 (VCV000525220.17), dbSNP rs187533108, ClinGen allele CA4181457.
Genomic context (GRCh38, chr7:21,742,105, plus strand): 5'-GTGGCCCCACTTTGATCCAGGCAACAATAGCATTCCATCAGACAATGATGTGTAACTTTT[T>C]ACCCACGGCTATTAAATTCCACTACATCTTTAATCTGAGAGATTTATCAAACGTCTTCCA-3'
Protein context (NP_001264044.1, residues 2688-2708): AFHQTMMCNF[Leu2698Ser]PTAIKFHYIF